The following is an entry in ClinVar:

NM_006922.4(SCN3A):c.3184A>G (p.Asn1062Asp)

Gene: SCN3A (sodium voltage-gated channel alpha subunit 3; minus strand). Cytogenetic location: 2q24.3.
Variant type: single nucleotide variant.
Coding change: c.3184A>G on transcript NM_006922.4 (MANE Select); coding-DNA position 3184, A replaced by G.
Protein change: p.Asn1062Asp; replaces asparagine 1062 with aspartic acid.
Molecular consequence: missense variant.
Genome position (GRCh38, 1-based): chr2:165,127,840, T>C on the plus strand (A>G on the coding strand, the complement: SCN3A is on the minus strand). VCF-style: chr2-165127840-T-C. GRCh37 (hg19) VCF-style: chr2-165984350-T-C.
Other names: c.3037A>G, p.Asn1013Asp (NM_001081676.2, NM_001081677.2); short protein forms N1013D, N1062D.
Identifiers: ClinVar variation 1020399 (VCV001020399.8), dbSNP rs1687083147, ClinGen allele CA349040919.

ClinVar aggregate classification (germline): Uncertain significance (1 of 4 stars; one submission).

Submission:

Labcorp Genetics (formerly Invitae), Labcorp
Classification: Uncertain significance. Last evaluated: 2017-06-02. Review status: criteria provided, single submitter. Criteria: Invitae Variant Classification Sherloc (09022015). Collection method: clinical testing. Allele origin: germline.
Comment: In summary, this variant has uncertain impact on SCN3A function. The available evidence is currently insufficient to determine its role in disease. Therefore, it has been classified as a Variant of Uncertain Significance. Algorithms developed to predict the effect of missense changes on protein structure and function (SIFT, PolyPhen-2, Align-GVGD) all suggest that this variant is likely to be tolerated, but these predictions have not been confirmed by published functional studies and their clinical significance is uncertain. This variant has not been reported in the literature in individuals with a SCN3A-related disease. This variant is not present in population databases (ExAC no frequency). This sequence change replaces asparagine with aspartic acid at codon 1062 of the SCN3A protein (p.Asn1062Asp). The asparagine residue is highly conserved and there is a small physicochemical difference between asparagine and aspartic acid.